The following is an entry in ClinVar:

NC_000014.8:g.(?_50760813)_(50768906_?)del

Gene: L2HGDH (L-2-hydroxyglutarate dehydrogenase; minus strand). Cytogenetic location: 14q21.3.
Variant type: Deletion.
Identifiers: ClinVar variation 2426899 (VCV002426899.4).

ClinVar aggregate classification (germline): Pathogenic (1 of 4 stars; one submission).

Conditions:
L-2-hydroxyglutaric aciduria (L2HGA). Identifiers: Orphanet 79314, MedGen C1855995, MONDO:0009370, OMIM 236792, HP:0040144.

Submission:

Labcorp Genetics (formerly Invitae), Labcorp
Classification: Pathogenic for L-2-hydroxyglutaric aciduria. Last evaluated: 2023-04-24. Review status: criteria provided, single submitter. Criteria: Invitae Variant Classification Sherloc (09022015). Collection method: clinical testing. Allele origin: germline.
Comment: For these reasons, this variant has been classified as Pathogenic. This variant has not been reported in the literature in individuals affected with L2HGDH-related conditions. This variant is a gross deletion of the genomic region encompassing exon(s) 3-4 of the L2HGDH gene. This deletion is out-of-frame, and is expected to create a premature termination codon and result in an absent or disrupted protein product. Loss-of-function variants in L2HGDH are known to be pathogenic (PMID: 16134148, 20052767).

Literature cited by the submitters: PubMed 16134148; PubMed 20052767.